The following is an entry in ClinVar:

NM_001267727.2(ARSG):c.790C>T (p.Arg264Trp)

Gene: ARSG (arylsulfatase G; plus strand). Cytogenetic location: 17q24.2.
Variant type: single nucleotide variant.
Coding change: c.790C>T on transcript NM_001267727.2 (MANE Select); coding-DNA position 790, C replaced by T.
Protein change: p.Arg264Trp; replaces arginine 264 with tryptophan.
Molecular consequence: missense variant.
Genome position (GRCh38, 1-based): chr17:68,368,633, C>T. VCF-style: chr17-68368633-C-T. GRCh37 (hg19) VCF-style: chr17-66364774-C-T.
Other names: c.790C>T, p.Arg264Trp (NM_001352899.2, NM_001352900.2, NM_001352901.2 and 3 more transcripts); c.787C>T, p.Arg263Trp (NM_001352903.2, NM_001352904.2, NM_001352905.2 and 2 more transcripts); c.742C>T, p.Arg248Trp (NM_001352909.2); short protein forms R263W, R264W, R248W.
Identifiers: ClinVar variation 1448766 (VCV001448766.3), dbSNP rs769314743, ClinGen allele CA8728363.
Genomic context (GRCh38, chr17:68,368,633, plus strand): 5'-TATGTGGCTCTGGCCCACATGCACGTGCCCTTACCTGTGACTCAGCTACCAGCAGCGCCA[C>T]GGGGCAGAAGCCTGTATGGTGCAGGGCTCTGGGAGATGGACAGTCTGGTGGGCCAGATCA-3'
Protein context (NP_001254656.1, residues 254-274): LPVTQLPAAP[Arg264Trp]GRSLYGAGLW

ClinVar aggregate classification (germline): Uncertain significance (1 of 4 stars; one submission).

Allele frequency attached by ClinVar (database versions not stated): gnomAD 0.00007; TOPMed 0.00011.
gnomAD v4.1: 62 of 1,614,092 alleles (0.0038%); highest among the groups gnomAD compares: Middle Eastern, 0.016%; no homozygotes.

Submission:

Labcorp Genetics (formerly Invitae), Labcorp
Classification: Uncertain significance. Last evaluated: 2022-07-06. Review status: criteria provided, single submitter. Criteria: Invitae Variant Classification Sherloc (09022015). Collection method: clinical testing. Allele origin: germline.
Comment: This sequence change replaces arginine, which is basic and polar, with tryptophan, which is neutral and slightly polar, at codon 264 of the ARSG protein (p.Arg264Trp). This variant is present in population databases (rs769314743, gnomAD 0.01%). This variant has not been reported in the literature in individuals affected with ARSG-related conditions. ClinVar contains an entry for this variant (Variation ID: 1448766). Algorithms developed to predict the effect of missense changes on protein structure and function output the following: SIFT: "Deleterious"; PolyPhen-2: "Benign"; Align-GVGD: "Class C0". The tryptophan amino acid residue is found in multiple mammalian species, which suggests that this missense change does not adversely affect protein function. In summary, the available evidence is currently insufficient to determine the role of this variant in disease. Therefore, it has been classified as a Variant of Uncertain Significance.